The following is an entry in ClinVar:

NM_001378454.1(ALMS1):c.1255G>T (p.Val419Phe)

Gene: ALMS1 (ALMS1 centrosome and basal body associated protein; plus strand). Cytogenetic location: 2p13.1.
Variant type: single nucleotide variant.
Coding change: c.1255G>T on transcript NM_001378454.1 (MANE Select); coding-DNA position 1255, G replaced by T.
Protein change: p.Val419Phe; replaces valine 419 with phenylalanine.
Molecular consequence: missense variant.
Genome position (GRCh38, 1-based): chr2:73,426,470, G>T. VCF-style: chr2-73426470-G-T. GRCh37 (hg19) VCF-style: chr2-73653598-G-T.
Other names: c.1258G>T, p.Val420Phe (NM_015120.4); short protein forms V419F, V420F.
Identifiers: ClinVar variation 1390969 (VCV001390969.4), dbSNP rs1671381064, ClinGen allele CA347261848.

ClinVar aggregate classification (germline): Uncertain significance. Review status: criteria provided, multiple submitters, no conflicts (2 of 4 stars). 2 submissions from 2 submitters: Uncertain significance (2). Last evaluated 2023-05-25.

Conditions:
Alstrom syndrome (ALMS). Identifiers: Orphanet 64, MedGen C0268425, MONDO:0008763, OMIM 203800.

Allele frequency attached by ClinVar (database versions not stated): TOPMed below 0.00001; gnomAD exomes 0.00001.
gnomAD v4.1: 8 of 1,614,094 alleles (0.0005%); highest among the groups gnomAD compares: Admixed American, 0.0017%; no homozygotes.

Submissions (2):

Laboratorio de Genetica e Diagnostico Molecular, Hospital Israelita Albert Einstein
Classification: Uncertain significance for Alstrom syndrome. Last evaluated: 2023-05-25. Review status: criteria provided, single submitter. Criteria: ACMG Guidelines, 2015. Collection method: clinical testing. Allele origin: germline. Affected: yes.
Comment: ACMG classification criteria: PM2 moderate, BP4 supporting

Labcorp Genetics (formerly Invitae), Labcorp
Classification: Uncertain significance for Alstrom syndrome. Last evaluated: 2022-08-09. Review status: criteria provided, single submitter. Criteria: Invitae Variant Classification Sherloc (09022015). Collection method: clinical testing. Allele origin: germline.
Comment: This sequence change replaces valine, which is neutral and non-polar, with phenylalanine, which is neutral and non-polar, at codon 420 of the ALMS1 protein (p.Val420Phe). This variant is not present in population databases (gnomAD no frequency). This variant has not been reported in the literature in individuals affected with ALMS1-related conditions. ClinVar contains an entry for this variant (Variation ID: 1390969). Experimental studies and prediction algorithms are not available or were not evaluated, and the functional significance of this variant is currently unknown. In summary, the available evidence is currently insufficient to determine the role of this variant in disease. Therefore, it has been classified as a Variant of Uncertain Significance.